The following is an entry in ClinVar:

NM_177438.3(DICER1):c.3646T>G (p.Ser1216Ala)

Gene: DICER1 (dicer 1, ribonuclease III; minus strand). Cytogenetic location: 14q32.13.
Variant type: single nucleotide variant.
Coding change: c.3646T>G on transcript NM_177438.3 (MANE Select); coding-DNA position 3646, T replaced by G.
Protein change: p.Ser1216Ala; replaces serine 1216 with alanine.
Molecular consequence: missense variant. On other transcripts: non-coding transcript variant (6).
Genome position (GRCh38, 1-based): chr14:95,103,750, A>C on the plus strand (T>G on the coding strand, the complement: DICER1 is on the minus strand). VCF-style: chr14-95103750-A-C. GRCh37 (hg19) VCF-style: chr14-95570087-A-C.
Other names: c.3646T>G, p.Ser1216Ala (NM_001195573.1, NM_001271282.3, NM_001291628.2 and 12 more transcripts); c.3364T>G, p.Ser1122Ala (NM_001395686.1); c.3241T>G, p.Ser1081Ala (NM_001395687.1, NM_001395688.1, NM_001395689.1 and 2 more transcripts); c.3079T>G, p.Ser1027Ala (NM_001395691.1); c.1963T>G, p.Ser655Ala (NM_001395697.1); short protein forms S1081A, S1122A, S1027A, S1216A, S655A.
Identifiers: ClinVar variation 3643257 (VCV003643257.2).

ClinVar aggregate classification (germline): Uncertain significance (1 of 4 stars; one submission).

Conditions:
DICER1-related tumor predisposition. Also called: DICER1 syndrome; DICER1-related pleuropulmonary blastoma cancer predisposition syndrome. Identifiers: Orphanet 284343, MedGen C3839822, MONDO:0100216.

Submission:

Labcorp Genetics (formerly Invitae), Labcorp
Classification: Uncertain significance for DICER1-related tumor predisposition. Last evaluated: 2024-04-25. Review status: criteria provided, single submitter. Criteria: Invitae Variant Classification Sherloc (09022015). Collection method: clinical testing. Allele origin: germline.
Comment: This sequence change replaces serine, which is neutral and polar, with alanine, which is neutral and non-polar, at codon 1216 of the DICER1 protein (p.Ser1216Ala). This variant is not present in population databases (gnomAD no frequency). This variant has not been reported in the literature in individuals affected with DICER1-related conditions. Advanced modeling of protein sequence and biophysical properties (such as structural, functional, and spatial information, amino acid conservation, physicochemical variation, residue mobility, and thermodynamic stability) performed at Invitae indicates that this missense variant is not expected to disrupt DICER1 protein function with a negative predictive value of 80%. In summary, the available evidence is currently insufficient to determine the role of this variant in disease. Therefore, it has been classified as a Variant of Uncertain Significance.